The following is an entry in ClinVar:

NM_018897.3(DNAH7):c.2113G>T (p.Glu705Ter)

Gene: DNAH7 (dynein axonemal heavy chain 7; minus strand). Cytogenetic location: 2q32.3.
Variant type: single nucleotide variant.
Coding change: c.2113G>T on transcript NM_018897.3 (MANE Select); coding-DNA position 2113, G replaced by T.
Protein change: p.Glu705Ter; replaces glutamic acid 705 with a stop codon.
Molecular consequence: nonsense.
Genome position (GRCh38, 1-based): chr2:195,970,040, C>A on the plus strand (G>T on the coding strand, the complement: DNAH7 is on the minus strand). VCF-style: chr2-195970040-C-A. GRCh37 (hg19) VCF-style: chr2-196834764-C-A.
Other names: short protein forms E705*.
Identifiers: ClinVar variation 4529812 (VCV004529812.1).
Genomic context (GRCh38, chr2:195,970,040, plus strand): 5'-GTATTTGAGCCTTTTTTAGGTACCGCTGAACATCCTGAAGATCTCCAAATGAATAAAATT[C>A]TTCTGATTGCTTAGCATAACTCTCCAATTCCTCCACAAACCGTTCACACCGTAACTAATA-3'

ClinVar aggregate classification (germline): Uncertain significance (1 of 4 stars; one submission).

gnomAD v4.1: 1 of 1,612,984 alleles (0.000062%); highest among the groups gnomAD compares: Non-Finnish European, 0.000085%; no homozygotes.

Submission:

GeneDx
Classification: Uncertain significance. Last evaluated: 2025-05-11. Review status: criteria provided, single submitter. Criteria: GeneDx Variant Classification Process June 2021. Collection method: clinical testing. Allele origin: germline. Affected: yes.
Comment: Nonsense variant predicted to result in protein truncation or nonsense mediated decay in a gene or region of a gene for which loss of function is not a well-established mechanism of disease; Not observed at significant frequency in large population cohorts (gnomAD); Has not been previously published as pathogenic or benign to our knowledge